The following is an entry in ClinVar:

NM_001080.3(ALDH5A1):c.411C>A (p.Asp137Glu)

Gene: ALDH5A1 (aldehyde dehydrogenase 5 family member A1; plus strand). Cytogenetic location: 6p22.3.
Variant type: single nucleotide variant.
Coding change: c.411C>A on transcript NM_001080.3 (MANE Select); coding-DNA position 411, C replaced by A.
Protein change: p.Asp137Glu; replaces aspartic acid 137 with glutamic acid.
Molecular consequence: missense variant.
Genome position (GRCh38, 1-based): chr6:24,502,579, C>A. VCF-style: chr6-24502579-C-A. GRCh37 (hg19) VCF-style: chr6-24502807-C-A.
Other names: c.411C>A, p.Asp137Glu (NM_001368954.1, NM_170740.1); short protein forms D137E.
Identifiers: ClinVar variation 665478 (VCV000665478.6), dbSNP rs1216101332, ClinGen allele CA362969236.

ClinVar aggregate classification (germline): Uncertain significance (1 of 4 stars; one submission).

Conditions:
Succinate-semialdehyde dehydrogenase deficiency (SSADHD). Also called: Succinic Semialdehyde Dehydrogenase Deficiency; SSADH DEFICIENCY; 4-HYDROXYBUTYRIC ACIDURIA; GABA METABOLIC DEFECT. Identifiers: Orphanet 22, MedGen C0268631, MONDO:0010083, OMIM 271980.

Allele frequency attached by ClinVar (database versions not stated): gnomAD exomes below 0.00001; gnomAD 0.00001; TOPMed 0.00001.

Submission:

Labcorp Genetics (formerly Invitae), Labcorp
Classification: Uncertain significance for Succinate-semialdehyde dehydrogenase deficiency. Last evaluated: 2021-09-01. Review status: criteria provided, single submitter. Criteria: Invitae Variant Classification Sherloc (09022015). Collection method: clinical testing. Allele origin: germline.
Comment: This sequence change replaces aspartic acid with glutamic acid at codon 137 of the ALDH5A1 protein (p.Asp137Glu). The aspartic acid residue is moderately conserved and there is a small physicochemical difference between aspartic acid and glutamic acid. This variant is not present in population databases (ExAC no frequency). This variant has not been reported in the literature in individuals affected with ALDH5A1-related conditions. Algorithms developed to predict the effect of missense changes on protein structure and function output the following: SIFT: "Tolerated"; PolyPhen-2: "Benign"; Align-GVGD: "Class C0". The glutamic acid amino acid residue is found in multiple mammalian species, which suggests that this missense change does not adversely affect protein function. In summary, the available evidence is currently insufficient to determine the role of this variant in disease. Therefore, it has been classified as a Variant of Uncertain Significance.